The following is an entry in ClinVar:

ClinVar aggregate classification (germline): Uncertain significance. Review status: criteria provided, multiple submitters, no conflicts (2 of 4 stars). 3 submissions from 3 submitters: Uncertain significance (3). Last evaluated 2025-11-09.

Conditions:
DICER1-related tumor predisposition. Also called: DICER1-related pleuropulmonary blastoma cancer predisposition syndrome; DICER1 syndrome. Identifiers: Orphanet 284343, MedGen C3839822, MONDO:0100216.
Hereditary cancer-predisposing syndrome. Also called: Neoplastic Syndromes, Hereditary; Tumor predisposition; Hereditary Cancer Syndrome; Hereditary neoplastic syndrome. Identifiers: Orphanet 140162, MedGen C0027672, MeSH D009386, MONDO:0015356.

Allele frequency attached by ClinVar (database versions not stated): gnomAD exomes below 0.00001.
gnomAD v4.1: 1 of 1,614,096 alleles (0.000062%); highest among the groups gnomAD compares: Non-Finnish European, 0.000085%; no homozygotes.

Submissions (3):

Labcorp Genetics (formerly Invitae), Labcorp
Classification: Uncertain significance for DICER1-related tumor predisposition. Last evaluated: 2025-11-09. Review status: criteria provided, single submitter. Criteria: Invitae Variant Classification Sherloc (09022015). Collection method: clinical testing. Allele origin: germline.
Comment: This sequence change replaces leucine, which is neutral and non-polar, with valine, which is neutral and non-polar, at codon 358 of the DICER1 protein (p.Leu358Val). This variant is not present in population databases (gnomAD no frequency). This variant has not been reported in the literature in individuals affected with DICER1-related conditions. ClinVar contains an entry for this variant (Variation ID: 822119). Invitae Evidence Modeling of protein sequence and biophysical properties (such as structural, functional, and spatial information, amino acid conservation, physicochemical variation, residue mobility, and thermodynamic stability) indicates that this missense variant is not expected to disrupt DICER1 protein function with a negative predictive value of 95%. In summary, the available evidence is currently insufficient to determine the role of this variant in disease. Therefore, it has been classified as a Variant of Uncertain Significance.

Blueprint Genetics
Classification: Uncertain significance. Last evaluated: 2022-02-21. Review status: criteria provided, single submitter. Criteria: ACMG Guidelines, 2015. Collection method: clinical testing. Allele origin: germline.

Ambry Genetics
Classification: Uncertain significance for Hereditary cancer-predisposing syndrome. Last evaluated: 2019-02-03. Review status: criteria provided, single submitter. Criteria: Ambry Variant Classification Scheme 2023. Collection method: clinical testing. Allele origin: germline.
Comment: The p.L358V variant (also known as c.1072C>G), located in coding exon 7 of the DICER1 gene, results from a C to G substitution at nucleotide position 1072. The leucine at codon 358 is replaced by valine, an amino acid with highly similar properties. This amino acid position is highly conserved in available vertebrate species. In addition, this alteration is predicted to be tolerated by in silico analysis. Since supporting evidence is limited at this time, the clinical significance of this alteration remains unclear.

NM_177438.3(DICER1):c.1072C>G (p.Leu358Val)

Gene: DICER1 (dicer 1, ribonuclease III; minus strand). Cytogenetic location: 14q32.13.
Variant type: single nucleotide variant.
Coding change: c.1072C>G on transcript NM_177438.3 (MANE Select); coding-DNA position 1072, C replaced by G.
Protein change: p.Leu358Val; replaces leucine 358 with valine.
Molecular consequence: missense variant.
Genome position (GRCh38, 1-based): chr14:95,124,500, G>C on the plus strand (C>G on the coding strand, the complement: DICER1 is on the minus strand). VCF-style: chr14-95124500-G-C. GRCh37 (hg19) VCF-style: chr14-95590837-G-C.
Other names: c.1072C>G, p.Leu358Val (NM_001195573.1, NM_001271282.3, NM_001291628.2 and 1 more transcripts); short protein forms L358V.
Identifiers: ClinVar variation 822119 (VCV000822119.6), dbSNP rs750675738, ClinGen allele CA390887021.